The following is an entry in ClinVar:

NM_002234.4(KCNA5):c.683C>A (p.Pro228His)

Gene: KCNA5 (potassium voltage-gated channel subfamily A member 5; plus strand). Cytogenetic location: 12p13.32.
Variant type: single nucleotide variant.
Coding change: c.683C>A on transcript NM_002234.4 (MANE Select); coding-DNA position 683, C replaced by A.
Protein change: p.Pro228His; replaces proline 228 with histidine.
Molecular consequence: missense variant.
Genome position (GRCh38, 1-based): chr12:5,044,830, C>A. VCF-style: chr12-5044830-C-A. GRCh37 (hg19) VCF-style: chr12-5153996-C-A.
Other names: short protein forms P228H.
Identifiers: ClinVar variation 2202820 (VCV002202820.4), dbSNP rs1565465432, ClinGen allele CA383464941.

ClinVar aggregate classification (germline): Uncertain significance (1 of 4 stars; one submission).

Conditions:
Atrial fibrillation, familial, 7 (ATFB7). Identifiers: MedGen C2677106, MONDO:0012828, OMIM 612240.

Submission:

Labcorp Genetics (formerly Invitae), Labcorp
Classification: Uncertain significance for Atrial fibrillation, familial, 7. Last evaluated: 2022-08-09. Review status: criteria provided, single submitter. Criteria: Invitae Variant Classification Sherloc (09022015). Collection method: clinical testing. Allele origin: germline.
Comment: This variant is not present in population databases (gnomAD no frequency). In summary, the available evidence is currently insufficient to determine the role of this variant in disease. Therefore, it has been classified as a Variant of Uncertain Significance. Algorithms developed to predict the effect of missense changes on protein structure and function (SIFT, PolyPhen-2, Align-GVGD) all suggest that this variant is likely to be disruptive. This variant has not been reported in the literature in individuals affected with KCNA5-related conditions. This sequence change replaces proline, which is neutral and non-polar, with histidine, which is basic and polar, at codon 228 of the KCNA5 protein (p.Pro228His).